The following is an entry in ClinVar:

ClinVar aggregate classification (germline): Uncertain significance (1 of 4 stars; one submission).

Submission:

GeneDx
Classification: Uncertain significance. Last evaluated: 2024-03-25. Review status: criteria provided, single submitter. Criteria: GeneDx Variant Classification Process June 2021. Collection method: clinical testing. Allele origin: germline. Affected: yes.
Comment: Not observed at significant frequency in large population cohorts (gnomAD); In silico analysis supports that this missense variant does not alter protein structure/function; Has not been previously published as pathogenic or benign to our knowledge

NM_138927.4(SON):c.2005G>T (p.Val669Leu)

Gene: SON (SON DNA and RNA binding protein; plus strand). Cytogenetic location: 21q22.11.
Variant type: single nucleotide variant.
Coding change: c.2005G>T on transcript NM_138927.4 (MANE Select); coding-DNA position 2005, G replaced by T.
Protein change: p.Val669Leu; replaces valine 669 with leucine.
Molecular consequence: missense variant. On other transcripts: non-coding transcript variant (1), intron variant (1).
Genome position (GRCh38, 1-based): chr21:33,551,236, G>T. VCF-style: chr21-33551236-G-T. GRCh37 (hg19) VCF-style: chr21-34923542-G-T.
Other names: c.2005G>T, p.Val669Leu (NM_001291411.2, NM_032195.3); c.244+4857G>T (NM_001291412.3); short protein forms V669L.
Identifiers: ClinVar variation 3371534 (VCV003371534.1).